The following is an entry in ClinVar:

NM_000038.6(APC):c.6980A>G (p.Asn2327Ser)

Gene: APC (APC regulator of WNT signaling pathway; plus strand). Cytogenetic location: 5q22.2.
Variant type: single nucleotide variant.
Coding change: c.6980A>G on transcript NM_000038.6 (MANE Select); coding-DNA position 6980, A replaced by G.
Protein change: p.Asn2327Ser; replaces asparagine 2327 with serine.
Molecular consequence: missense variant. On other transcripts: non-coding transcript variant (2).
Genome position (GRCh38, 1-based): chr5:112,842,574, A>G. VCF-style: chr5-112842574-A-G. GRCh37 (hg19) VCF-style: chr5-112178271-A-G.
Other names: c.6980A>G, p.Asn2327Ser (NM_001127510.3, NM_001354895.2, NM_001407450.1); c.6926A>G, p.Asn2309Ser (NM_001127511.3); c.7034A>G, p.Asn2345Ser (NM_001354896.2, NM_001407447.1, NM_001407448.1 and 1 more transcripts); c.7010A>G, p.Asn2337Ser (NM_001354897.2); c.6905A>G, p.Asn2302Ser (NM_001354898.2); c.6896A>G, p.Asn2299Ser (NM_001354899.2); c.6857A>G, p.Asn2286Ser (NM_001354900.2); c.6803A>G, p.Asn2268Ser (NM_001354901.2, NM_001407453.1); and 11 more; short protein forms N1943S, N2044S, N2167S, N2198S, N2201S, N2226S, N2236S, N2244S.
Identifiers: ClinVar variation 3071219 (VCV003071219.1), dbSNP rs2149977515, ClinGen allele CA16036548.
Genomic context (GRCh38, chr5:112,842,574, plus strand): 5'-CGACCCCTTCAAGACCTGCCCAGCAACCATTAAGTAGACCTATACAGTCTCCTGGCCGAA[A>G]CTCAATTTCCCCTGGTAGAAATGGAATAAGTCCTCCTAACAAATTATCTCAACTTCCAAG-3'
Protein context (NP_000029.2, residues 2317-2337): LSRPIQSPGR[Asn2327Ser]SISPGRNGIS

ClinVar aggregate classification (germline): Uncertain significance (1 of 4 stars; one submission).

Conditions:
Classic or attenuated familial adenomatous polyposis. Identifiers: MedGen CN372698, MONDO:0021057.

Submission:

All of Us Research Program, National Institutes of Health
Classification: Uncertain significance for Classic or attenuated familial adenomatous polyposis. Last evaluated: 2023-05-16. Review status: criteria provided, single submitter. Criteria: ACMG Guidelines, 2015. Collection method: clinical testing. Allele origin: germline. Inheritance: Autosomal dominant inheritance. Observed: 1 variant allele, 1 heterozygote.
Comment: This missense variant replaces asparagine with serine at codon 2327 of the APC protein. Computational prediction suggests that this variant may not impact protein structure and function (internally defined REVEL score threshold <= 0.5, PMID: 27666373). To our knowledge, functional studies have not been reported for this variant. This variant has not been reported in individuals affected with APC-related disorders in the literature. This variant has not been identified in the general population by the Genome Aggregation Database (gnomAD). The available evidence is insufficient to determine the role of this variant in disease conclusively. Therefore, this variant is classified as a Variant of Uncertain Significance.

This study involves interpretation of variants in research participants for the purpose of population health screening. Participant phenotype was not available at the time of variant classification. Additional details can be found in publication PMID: 35346344, PMCID: PMC8962531